The following is an entry in ClinVar:

ClinVar aggregate classification (germline): Benign. Review status: criteria provided, multiple submitters, no conflicts (2 of 4 stars). 3 submissions from 3 submitters: Benign (2). 1 of the submissions does not count toward it. Last evaluated 2018-07-03.

Conditions:
ALG10-related disorder. Also called: ALG10-related condition.

Allele frequency attached by ClinVar (database versions not stated): gnomAD 0.01157 and 0.01238; 1000 Genomes Project 0.01158; 1000 Genomes Project 30x 0.01249; ExAC 0.00372; ESP Exome Variant Server 0.01170; gnomAD exomes 0.00335; TOPMed 0.01256.
gnomAD v4.1: 3,854 of 1,614,004 alleles (0.24%); highest among the groups gnomAD compares: African/African-American, 4%; 71 homozygotes.

Submissions (3):

Labcorp Genetics (formerly Invitae), Labcorp
Classification: Benign. Last evaluated: 2018-07-03. Review status: criteria provided, single submitter. Criteria: Invitae Variant Classification Sherloc (09022015). Collection method: clinical testing. Allele origin: germline.

Breakthrough Genomics
Classification: Benign. Review status: criteria provided, single submitter. Criteria: ACMG Guidelines, 2015. Collection method: not provided. Allele origin: germline. Inheritance: Unknown mechanism. Affected: yes.

PreventionGenetics, part of Exact Sciences
Classification: Benign for ALG10-related condition. Last evaluated: 2019-05-24. Review status: no assertion criteria provided. Collection method: clinical testing. Allele origin: germline. Not counted in ClinVar's aggregate classification.
Comment: This variant is classified as benign based on ACMG/AMP sequence variant interpretation guidelines (Richards et al. 2015 PMID: 25741868, with internal and published modifications).

NM_032834.4(ALG10):c.402A>C (p.Thr134=)

Gene: ALG10 (ALG10 alpha-1,2-glucosyltransferase; plus strand). Cytogenetic location: 12p11.1.
Variant type: single nucleotide variant.
Coding change: c.402A>C on transcript NM_032834.4 (MANE Select); coding-DNA position 402, A replaced by C.
Protein change: p.Thr134=; no amino-acid change (threonine 134 retained).
Molecular consequence: synonymous variant.
Genome position (GRCh38, 1-based): chr12:34,025,895, A>C. VCF-style: chr12-34025895-A-C. GRCh37 (hg19) VCF-style: chr12-34178830-A-C.
Identifiers: ClinVar variation 785400 (VCV000785400.6), dbSNP rs77450248, ClinGen allele CA6508900.